The following is an entry in ClinVar:

NM_016306.6(DNAJB11):c.970G>A (p.Val324Met)

Gene: DNAJB11 (DnaJ heat shock protein family (Hsp40) member B11; plus strand). Cytogenetic location: 3q27.3.
Variant type: single nucleotide variant.
Coding change: c.970G>A on transcript NM_016306.6 (MANE Select); coding-DNA position 970, G replaced by A.
Protein change: p.Val324Met; replaces valine 324 with methionine.
Molecular consequence: missense variant. On other transcripts: non-coding transcript variant (6).
Genome position (GRCh38, 1-based): chr3:186,584,547, G>A. VCF-style: chr3-186584547-G-A. GRCh37 (hg19) VCF-style: chr3-186302336-G-A.
Other names: c.694G>A, p.Val232Met (NM_001378451.1); short protein forms V324M, V232M.
Identifiers: ClinVar variation 3688237 (VCV003688237.2).
Genomic context (GRCh38, chr3:186,584,547, plus strand): 5'-GAAGGGCTCCCCAACTTTGACAACAACAATATCAAGGGCTCTTTGATAATCACTTTTGAT[G>A]TGGATTTTCCAAAAGAACAGTTAACAGAGGAAGCGAGAGAAGGTATGGCATATTAGTGTG-3'
Protein context (NP_057390.1, residues 314-334): IKGSLIITFD[Val324Met]DFPKEQLTEE

ClinVar aggregate classification (germline): Uncertain significance (1 of 4 stars; one submission).

Submission:

Labcorp Genetics (formerly Invitae), Labcorp
Classification: Uncertain significance. Last evaluated: 2024-04-25. Review status: criteria provided, single submitter. Criteria: Invitae Variant Classification Sherloc (09022015). Collection method: clinical testing. Allele origin: germline.
Comment: This sequence change replaces valine, which is neutral and non-polar, with methionine, which is neutral and non-polar, at codon 324 of the DNAJB11 protein (p.Val324Met). This variant is present in population databases (no rsID available, gnomAD no frequency). This variant has not been reported in the literature in individuals affected with DNAJB11-related conditions. Advanced modeling of protein sequence and biophysical properties (such as structural, functional, and spatial information, amino acid conservation, physicochemical variation, residue mobility, and thermodynamic stability) has been performed at Invitae for this missense variant, however the output from this modeling did not meet the statistical confidence thresholds required to predict the impact of this variant on DNAJB11 protein function. In summary, the available evidence is currently insufficient to determine the role of this variant in disease. Therefore, it has been classified as a Variant of Uncertain Significance.